The following is an entry in ClinVar:

NM_152703.5(SAMD9L):c.2788T>G (p.Ser930Ala)

Gene: SAMD9L (sterile alpha motif domain containing 9 like; minus strand). Cytogenetic location: 7q21.2.
Variant type: single nucleotide variant.
Coding change: c.2788T>G on transcript NM_152703.5 (MANE Select); coding-DNA position 2788, T replaced by G.
Protein change: p.Ser930Ala; replaces serine 930 with alanine.
Molecular consequence: missense variant.
Genome position (GRCh38, 1-based): chr7:93,133,184, A>C on the plus strand (T>G on the coding strand, the complement: SAMD9L is on the minus strand). VCF-style: chr7-93133184-A-C. GRCh37 (hg19) VCF-style: chr7-92762497-A-C.
Other names: c.2788T>G, p.Ser930Ala (NM_001303496.3, NM_001303497.3, NM_001303498.3 and 5 more transcripts); short protein forms S930A.
Identifiers: ClinVar variation 4159288 (VCV004159288.1).

ClinVar aggregate classification (germline): Uncertain significance (1 of 4 stars; one submission).

Conditions:
Inborn genetic diseases. Identifiers: MedGen C0950123, MeSH D030342.

Submission:

Ambry Genetics
Classification: Uncertain significance for Inborn genetic diseases. Last evaluated: 2025-07-01. Review status: criteria provided, single submitter. Criteria: Ambry Variant Classification Scheme 2023. Collection method: clinical testing. Allele origin: germline.
Comment: The p.S930A variant (also known as c.2788T>G), located in coding exon 1 of the SAMD9L gene, results from a T to G substitution at nucleotide position 2788. The serine at codon 930 is replaced by alanine, an amino acid with similar properties. This amino acid position is conserved. In addition, this alteration is predicted to be tolerated by in silico analysis. Based on the available evidence, the clinical significance of this variant remains unclear.